The following is an entry in ClinVar:

ClinVar aggregate classification (germline): Uncertain significance (1 of 4 stars; one submission).

Allele frequency attached by ClinVar (database versions not stated): ExAC 0.00001; gnomAD exomes 0.00001.

Submission:

Labcorp Genetics (formerly Invitae), Labcorp
Classification: Uncertain significance. Last evaluated: 2023-04-29. Review status: criteria provided, single submitter. Criteria: Invitae Variant Classification Sherloc (09022015). Collection method: clinical testing. Allele origin: germline.
Comment: ClinVar contains an entry for this variant (Variation ID: 1914008). In summary, the available evidence is currently insufficient to determine the role of this variant in disease. Therefore, it has been classified as a Variant of Uncertain Significance. Advanced modeling of protein sequence and biophysical properties (such as structural, functional, and spatial information, amino acid conservation, physicochemical variation, residue mobility, and thermodynamic stability) performed at Invitae indicates that this missense variant is expected to disrupt MMP13 protein function. This variant has not been reported in the literature in individuals affected with MMP13-related conditions. This variant is present in population databases (rs781952022, gnomAD 0.003%). This sequence change replaces tyrosine, which is neutral and polar, with cysteine, which is neutral and slightly polar, at codon 442 of the MMP13 protein (p.Tyr442Cys).

NM_002427.4(MMP13):c.1325A>G (p.Tyr442Cys)

Gene: MMP13 (matrix metallopeptidase 13; minus strand). Cytogenetic location: 11q22.2.
Variant type: single nucleotide variant.
Coding change: c.1325A>G on transcript NM_002427.4 (MANE Select); coding-DNA position 1325, A replaced by G.
Protein change: p.Tyr442Cys; replaces tyrosine 442 with cysteine.
Molecular consequence: missense variant.
Genome position (GRCh38, 1-based): chr11:102,944,357, T>C on the plus strand (A>G on the coding strand, the complement: MMP13 is on the minus strand). VCF-style: chr11-102944357-T-C. GRCh37 (hg19) VCF-style: chr11-102815086-T-C.
Other names: short protein forms Y442C.
Identifiers: ClinVar variation 1914008 (VCV001914008.5), dbSNP rs781952022, ClinGen allele CA6251683.